The following is an entry in ClinVar:

NM_020366.4(RPGRIP1):c.2285T>C (p.Leu762Pro)

Gene: RPGRIP1 (RPGR interacting protein 1; plus strand). Cytogenetic location: 14q11.2.
Variant type: single nucleotide variant.
Coding change: c.2285T>C on transcript NM_020366.4 (MANE Select); coding-DNA position 2285, T replaced by C.
Protein change: p.Leu762Pro; replaces leucine 762 with proline.
Molecular consequence: missense variant. On other transcripts: intron variant (4).
Genome position (GRCh38, 1-based): chr14:21,325,301, T>C. VCF-style: chr14-21325301-T-C. GRCh37 (hg19) VCF-style: chr14-21793460-T-C.
Other names: c.1211T>C, p.Leu404Pro (NM_001377948.1); c.796+576T>C (NM_001377949.1); c.689-2322T>C (NM_001377523.1, NM_001377950.1); c.191-2322T>C (NM_001377951.1); short protein forms L404P, L762P.
Identifiers: ClinVar variation 1416889 (VCV001416889.8), dbSNP rs199593721, ClinGen allele CA7089205.

ClinVar aggregate classification (germline): Uncertain significance (1 of 4 stars; one submission).

Conditions:
Cone-rod dystrophy 13 (CORD13). Identifiers: Orphanet 1872, MedGen C2750720, MONDO:0011987, OMIM 608194.
Leber congenital amaurosis 6 (LCA6). Identifiers: Orphanet 65, MedGen C1854260, MONDO:0013446, OMIM 613826.

Allele frequency attached by ClinVar (database versions not stated): gnomAD exomes 0.00001; ExAC 0.00002; 1000 Genomes Project 30x 0.00031; 1000 Genomes Project 0.00040.
gnomAD v4.1: 3 of 1,612,444 alleles (0.00019%); highest among the groups gnomAD compares: African/African-American, 0.0027%; no homozygotes.

Submission:

Labcorp Genetics (formerly Invitae), Labcorp
Classification: Uncertain significance for Leber congenital amaurosis 6; Cone-rod dystrophy 13. Last evaluated: 2024-09-16. Review status: criteria provided, single submitter. Criteria: Invitae Variant Classification Sherloc (09022015). Collection method: clinical testing. Allele origin: germline.
Comment: This sequence change replaces leucine, which is neutral and non-polar, with proline, which is neutral and non-polar, at codon 762 of the RPGRIP1 protein (p.Leu762Pro). This variant is present in population databases (rs199593721, gnomAD 0.01%). This variant has not been reported in the literature in individuals affected with RPGRIP1-related conditions. ClinVar contains an entry for this variant (Variation ID: 1416889). Invitae Evidence Modeling of protein sequence and biophysical properties (such as structural, functional, and spatial information, amino acid conservation, physicochemical variation, residue mobility, and thermodynamic stability) has been performed for this missense variant. However, the output from this modeling did not meet the statistical confidence thresholds required to predict the impact of this variant on RPGRIP1 protein function. In summary, the available evidence is currently insufficient to determine the role of this variant in disease. Therefore, it has been classified as a Variant of Uncertain Significance.